The following is an entry in ClinVar:

ClinVar aggregate classification (germline): Uncertain significance (1 of 4 stars; one submission).

gnomAD v4.1: 6 of 1,469,364 alleles (0.00041%); highest among the groups gnomAD compares: Non-Finnish European, 0.00045%; no homozygotes.

Submission:

Mayo Clinic Laboratories, Mayo Clinic
Classification: Uncertain significance. Last evaluated: 2024-01-31. Review status: criteria provided, single submitter. Criteria: ACMG Guidelines, 2015. Collection method: clinical testing. Allele origin: germline. Observed: 1 variant allele.
Comment: BP4

NM_000540.3(RYR1):c.13244C>T (p.Ala4415Val)

Gene: RYR1 (ryanodine receptor 1; plus strand). Cytogenetic location: 19q13.2.
Variant type: single nucleotide variant.
Coding change: c.13244C>T on transcript NM_000540.3 (MANE Select); coding-DNA position 13244, C replaced by T.
Protein change: p.Ala4415Val; replaces alanine 4415 with valine.
Molecular consequence: missense variant.
Genome position (GRCh38, 1-based): chr19:38,565,578, C>T. VCF-style: chr19-38565578-C-T. GRCh37 (hg19) VCF-style: chr19-39056218-C-T.
Other names: p.Ala4415Val; c.13229C>T, p.Ala4410Val (NM_001042723.2); short protein forms A4410V, A4415V.
Identifiers: ClinVar variation 3380614 (VCV003380614.1).